The following is an entry in ClinVar:

ClinVar aggregate classification (germline): Likely benign (1 of 4 stars; one submission).

Allele frequency attached by ClinVar (database versions not stated): gnomAD 0.00001; gnomAD exomes 0.00002; TOPMed 0.00002.
gnomAD v4.1: 20 of 1,154,342 alleles (0.0017%); highest among the groups gnomAD compares: East Asian, 0.026%; no homozygotes.

Submission:

CeGaT Center for Human Genetics Tuebingen
Classification: Likely benign. Last evaluated: 2022-12-01. Review status: criteria provided, single submitter. Criteria: CeGaT Center For Human Genetics Tuebingen Variant Classification Criteria Version 2. Collection method: clinical testing. Allele origin: germline. Affected: yes. Observed: 1 variant allele.
Comment: ARMCX4: BP4, BS2

NM_001256155.3(ARMCX4):c.2711C>A (p.Thr904Lys)

Gene: ARMCX4 (armadillo repeat containing X-linked 4; plus strand). Cytogenetic location: Xq22.1.
Variant type: single nucleotide variant.
Coding change: c.2711C>A on transcript NM_001256155.3 (MANE Select); coding-DNA position 2711, C replaced by A.
Protein change: p.Thr904Lys; replaces threonine 904 with lysine.
Molecular consequence: missense variant.
Genome position (GRCh38, 1-based): chrX:101,491,300, C>A. VCF-style: chrX-101491300-C-A. GRCh37 (hg19) VCF-style: chrX-100746287-C-A.
Other names: short protein forms T904K.
Identifiers: ClinVar variation 2661062 (VCV002661062.24), dbSNP rs1455780669, ClinGen allele CA413951631.